The following is an entry in ClinVar:

NM_020937.4(FANCM):c.2002+11T>C

Gene: FANCM (FA complementation group M; plus strand). Cytogenetic location: 14q21.2.
Variant type: single nucleotide variant.
Coding change: c.2002+11T>C on transcript NM_020937.4 (MANE Select); 11 bases into the intron after coding-DNA position 2002, T replaced by C.
Molecular consequence: intron variant. On other transcripts: 3 prime UTR variant (1).
Genome position (GRCh38, 1-based): chr14:45,167,174, T>C. VCF-style: chr14-45167174-T-C. GRCh37 (hg19) VCF-style: chr14-45636377-T-C.
Other names: c.*3T>C (NM_001308134.2); c.1924+11T>C (NM_001308133.2).
Identifiers: ClinVar variation 3051147 (VCV003051147.2), dbSNP rs1888043499, ClinGen allele CA962640336.

ClinVar aggregate classification (germline): Likely benign (0 of 4 stars; one submission).

Conditions:
FANCM-related disorder. Also called: FANCM-related condition.

Allele frequency attached by ClinVar (database versions not stated): gnomAD exomes below 0.00001; gnomAD 0.00001; TOPMed 0.00002.
gnomAD v4.1: 3 of 1,549,930 alleles (0.00019%); highest among the groups gnomAD compares: African/African-American, 0.0041%; no homozygotes.

Submission:

PreventionGenetics, part of Exact Sciences
Classification: Likely benign for FANCM-related condition. Last evaluated: 2023-02-08. Review status: no assertion criteria provided. Collection method: clinical testing. Allele origin: germline.
Comment: This variant is classified as likely benign based on ACMG/AMP sequence variant interpretation guidelines (Richards et al. 2015 PMID: 25741868, with internal and published modifications).